The following is an entry in ClinVar:

NM_005184.4(CALM3):c.171T>C (p.Asp57=)

Gene: CALM3 (calmodulin 3; plus strand). Cytogenetic location: 19q13.32.
Variant type: single nucleotide variant.
Coding change: c.171T>C on transcript NM_005184.4 (MANE Select); coding-DNA position 171, T replaced by C.
Protein change: p.Asp57=; no amino-acid change (aspartic acid 57 retained).
Molecular consequence: synonymous variant.
Genome position (GRCh38, 1-based): chr19:46,608,333, T>C. VCF-style: chr19-46608333-T-C. GRCh37 (hg19) VCF-style: chr19-47111590-T-C.
Other names: c.63T>C, p.Asp21= (NM_001329921.1, NM_001329923.1, NM_001329924.2 and 2 more transcripts); c.171T>C, p.Asp57= (NM_001329922.1).
Identifiers: ClinVar variation 3339755 (VCV003339755.1).
Genomic context (GRCh38, chr19:46,608,333, plus strand): 5'-GAGATCCCTGGGACAGAACCCCACTGAAGCAGAGCTGCAGGATATGATCAATGAGGTGGA[T>C]GCAGATGGTGAGCCCCACAGAGCGCGTGGGCAGCCCTGCTCCTGGTCACCCCGAGTGACT-3'
Protein context (NP_005175.2, residues 47-67): AELQDMINEV[Asp57=]ADGNGTIDFP

ClinVar aggregate classification (germline): Likely benign (1 of 4 stars; one submission).

gnomAD v4.1: 5 of 1,614,054 alleles (0.00031%); highest among the groups gnomAD compares: Non-Finnish European, 0.00042%; no homozygotes.

Submission:

Women's Health and Genetics/Laboratory Corporation of America, LabCorp
Classification: Likely benign. Last evaluated: 2024-06-04. Review status: criteria provided, single submitter. Criteria: LabCorp Variant Classification Summary - May 2015. Collection method: clinical testing. Allele origin: germline.
Comment: Variant summary: CALM3 c.171T>C alters a non-conserved nucleotide resulting in a synonymous change. Consensus agreement among computation tools predict no significant impact on normal splicing. However, these predictions have yet to be confirmed by functional studies. The variant was absent in 251138 control chromosomes. The available data on variant occurrences in the general population are insufficient to allow any conclusion about variant significance. To our knowledge, no occurrence of c.171T>C in individuals affected with Long QT Syndrome and no experimental evidence demonstrating its impact on protein function have been reported. No submitters have cited clinical-significance assessments for this variant to ClinVar. Based on the evidence outlined above, the variant was classified as likely benign.